The following is an entry in ClinVar:

ClinVar aggregate classification (germline): Uncertain significance (0 of 4 stars; one submission).

Conditions:
GLI3-related disorder. Also called: GLI3-related condition; GLI3-related disorders. Identifiers: MedGen CN239292.

Allele frequency attached by ClinVar (database versions not stated): TOPMed below 0.00001; ExAC 0.00001.
gnomAD v4.1: 5 of 1,613,862 alleles (0.00031%); highest among the groups gnomAD compares: Admixed American, 0.005%; no homozygotes.

Submission:

PreventionGenetics, part of Exact Sciences
Classification: Uncertain significance for GLI3-related condition. Last evaluated: 2023-12-26. Review status: no assertion criteria provided. Collection method: clinical testing. Allele origin: germline.
Comment: The GLI3 c.3751G>T variant is predicted to result in the amino acid substitution p.Ala1251Ser. To our knowledge, this variant has not been reported in the literature. This variant is reported in 0.0058% of alleles in individuals of Latino descent in gnomAD. At this time, the clinical significance of this variant is uncertain due to the absence of conclusive functional and genetic evidence.

NM_000168.6(GLI3):c.3751G>T (p.Ala1251Ser)

Gene: GLI3 (GLI family zinc finger 3; minus strand). Cytogenetic location: 7p14.1.
Variant type: single nucleotide variant.
Coding change: c.3751G>T on transcript NM_000168.6 (MANE Select); coding-DNA position 3751, G replaced by T.
Protein change: p.Ala1251Ser; replaces alanine 1251 with serine.
Molecular consequence: missense variant.
Genome position (GRCh38, 1-based): chr7:41,965,322, C>A on the plus strand (G>T on the coding strand, the complement: GLI3 is on the minus strand). VCF-style: chr7-41965322-C-A. GRCh37 (hg19) VCF-style: chr7-42004920-C-A.
Other names: short protein forms A1251S.
Identifiers: ClinVar variation 2631519 (VCV002631519.3), dbSNP rs746634828, ClinGen allele CA4230277.